The following is an entry in ClinVar:

ClinVar aggregate classification (germline): Uncertain significance. Review status: criteria provided, multiple submitters, no conflicts (2 of 4 stars). 4 submissions from 4 submitters: Uncertain significance (4). Last evaluated 2025-02-10.

Conditions:
LRP5-related disorder. Also called: LRP5-related condition.
Polycystic liver disease 4 with or without kidney cysts. Identifiers: MedGen C4693479, MONDO:0044327, OMIM 617875.
Exudative vitreoretinopathy 1 (EVR1). Also called: CRISWICK-SCHEPENS SYNDROME; FEVR, AUTOSOMAL DOMINANT; Familial exudative vitreoretinopathy, autosomal dominant. Identifiers: Orphanet 891, Orphanet 90050, MedGen C1851402, MONDO:0007589, OMIM 133780.
Osteoporosis with pseudoglioma (OPPG). Also called: osteoporosis-pseudoglioma syndrome. Identifiers: Orphanet 2788, MedGen C0432252, MONDO:0009820, OMIM 259770.
Exudative vitreoretinopathy 4 (EVR4). Identifiers: Orphanet 891, MedGen C1866176, MONDO:0011151, OMIM 601813.
Autosomal dominant osteopetrosis 1 (OPTA1). Also called: OSTEOPETROSIS, AUTOSOMAL DOMINANT, TYPE I. Identifiers: Orphanet 2783, MedGen C1843330, MONDO:0011877, OMIM 607634.
Osteoporosis. Identifiers: MedGen C0029456, MONDO:0005298, OMIM 166710, HP:0000939.
Worth disease. Also called: ENDOSTEAL HYPEROSTOSIS, AUTOSOMAL DOMINANT; OSTEOSCLEROSIS, AUTOSOMAL DOMINANT; Autosomal dominant osteosclerosis, Worth type. Identifiers: Orphanet 2790, MedGen C0432273, MONDO:0007764, OMIM 144750.
Bone mineral density quantitative trait locus 1 (BMND1). Identifiers: MedGen C1866079, OMIM 601884.

Allele frequency attached by ClinVar (database versions not stated): gnomAD 0.00001; TOPMed 0.00002.
gnomAD v4.1: 21 of 1,614,032 alleles (0.0013%); highest among the groups gnomAD compares: East Asian, 0.02%; no homozygotes.

Submissions (4):

PreventionGenetics, part of Exact Sciences
Classification: Uncertain significance for LRP5-related condition. Last evaluated: 2025-02-10. Review status: criteria provided, single submitter. Criteria: ACMG Guidelines, 2015. Collection method: clinical testing. Allele origin: germline.
Comment: The LRP5 c.1960G>A variant is predicted to result in the amino acid substitution p.Ala654Thr. To our knowledge, this variant has not been reported in the literature. This variant is reported in 0.0054% of alleles in individuals of East Asian descent in gnomAD. At this time, the clinical significance of this variant is uncertain due to the absence of conclusive functional and genetic evidence.

Labcorp Genetics (formerly Invitae), Labcorp
Classification: Uncertain significance. Last evaluated: 2024-01-31. Review status: criteria provided, single submitter. Criteria: Invitae Variant Classification Sherloc (09022015). Collection method: clinical testing. Allele origin: germline.
Comment: This sequence change replaces alanine, which is neutral and non-polar, with threonine, which is neutral and polar, at codon 654 of the LRP5 protein (p.Ala654Thr). This variant is present in population databases (rs747131775, gnomAD 0.006%). This variant has not been reported in the literature in individuals affected with LRP5-related conditions. ClinVar contains an entry for this variant (Variation ID: 845985). Advanced modeling of protein sequence and biophysical properties (such as structural, functional, and spatial information, amino acid conservation, physicochemical variation, residue mobility, and thermodynamic stability) performed at Invitae indicates that this missense variant is not expected to disrupt LRP5 protein function with a negative predictive value of 95%. In summary, the available evidence is currently insufficient to determine the role of this variant in disease. Therefore, it has been classified as a Variant of Uncertain Significance.

GeneDx
Classification: Uncertain significance. Last evaluated: 2023-01-31. Review status: criteria provided, single submitter. Criteria: GeneDx Variant Classification Process June 2021. Collection method: clinical testing. Allele origin: germline. Affected: yes.
Comment: In silico analysis supports that this missense variant does not alter protein structure/function; Has not been previously published as pathogenic or benign to our knowledge

Fulgent Genetics
Classification: Uncertain significance for Exudative vitreoretinopathy 1; Worth disease; Osteoporosis; Osteoporosis with pseudoglioma; Exudative vitreoretinopathy 4; Bone mineral density quantitative trait locus 1; Autosomal dominant osteopetrosis 1; Polycystic liver disease 4 with or without kidney cysts. Last evaluated: 2022-04-22. Review status: criteria provided, single submitter. Criteria: ACMG Guidelines, 2015. Collection method: clinical testing. Allele origin: unknown.

NM_002335.4(LRP5):c.1960G>A (p.Ala654Thr)

Gene: LRP5 (LDL receptor related protein 5; plus strand). Cytogenetic location: 11q13.2.
Variant type: single nucleotide variant.
Coding change: c.1960G>A on transcript NM_002335.4 (MANE Select); coding-DNA position 1960, G replaced by A.
Protein change: p.Ala654Thr; replaces alanine 654 with threonine.
Molecular consequence: missense variant.
Genome position (GRCh38, 1-based): chr11:68,406,682, G>A. VCF-style: chr11-68406682-G-A. GRCh37 (hg19) VCF-style: chr11-68174150-G-A.
Other names: c.1960G>A (NM_002335.2); c.217G>A, p.Ala73Thr (NM_001291902.2); short protein forms A654T, A73T.
Identifiers: ClinVar variation 845985 (VCV000845985.16), dbSNP rs747131775, ClinGen allele CA6149496.